The following is an entry in ClinVar:

ClinVar aggregate classification (germline): Pathogenic (1 of 4 stars; one submission).

Submission:

GeneDx
Classification: Pathogenic. Last evaluated: 2016-12-28. Review status: criteria provided, single submitter. Criteria: GeneDx Variant Classification (06012015). Collection method: clinical testing. Allele origin: germline. Affected: yes.
Comment: The c.5262delT variant in the ARID1A gene has not been reported previously as a pathogenic variantnor as a benign variant, to our knowledge. The c.5262delT variant causes a frameshift starting withcodon Serine 1755, changes this amino acid to a Valine residue, and creates a premature Stop codon atposition 15 of the new reading frame, denoted p.Ser1755ValfsX15. This variant is predicted to causeloss of normal protein function through protein truncation. The c.5262delT variant was not observedin approximately 6500 individuals of European and African American ancestry in the NHLBI ExomeSequencing Project, indicating it is not a common benign variant in these populations. We interpretc.5262delT as a pathogenic variant.

NM_006015.6(ARID1A):c.5262del (p.Ser1755fs)

Gene: ARID1A (AT-rich interaction domain 1A; plus strand). Cytogenetic location: 1p36.11.
Variant type: Deletion.
Coding change: c.5262del on transcript NM_006015.6 (MANE Select); coding-DNA position 5262, one base deleted (T; older notation c.5262delT).
Protein change: p.Ser1755fs; shifts the reading frame from serine 1755.
Molecular consequence: frameshift variant.
Genome position (GRCh38, 1-based): chr1:26,779,160, T deleted. VCF-style (leftmost placement, unchanged base first): chr1-26779159-CT-C. GRCh37 (hg19) VCF-style: chr1-27105650-CT-C.
Other names: c.5262del (LRG_875t1); c.4611del, p.Ser1538fs (NM_139135.4); short protein forms S1538fs, S1755fs.
Identifiers: ClinVar variation 422806 (VCV000422806.2), dbSNP rs1064796010, ClinGen allele CA16617133.